The following is an entry in ClinVar:

NM_019842.4(KCNQ5):c.2166T>A (p.Asp722Glu)

Gene: KCNQ5 (potassium voltage-gated channel subfamily Q member 5; plus strand). Cytogenetic location: 6q13.
Variant type: single nucleotide variant.
Coding change: c.2166T>A on transcript NM_019842.4 (MANE Select); coding-DNA position 2166, T replaced by A.
Protein change: p.Asp722Glu; replaces aspartic acid 722 with glutamic acid.
Molecular consequence: missense variant.
Genome position (GRCh38, 1-based): chr6:73,194,781, T>A. VCF-style: chr6-73194781-T-A. GRCh37 (hg19) VCF-style: chr6-73904504-T-A.
Other names: c.1836T>A, p.Asp612Glu (NM_001160134.2); c.2139T>A, p.Asp713Glu (NM_001160130.2); c.2196T>A, p.Asp732Glu (NM_001160132.2); c.2223T>A, p.Asp741Glu (NM_001160133.2); short protein forms D612E, D713E, D722E, D732E, D741E.
Identifiers: ClinVar variation 3621691 (VCV003621691.2).

ClinVar aggregate classification (germline): Uncertain significance (1 of 4 stars; one submission).

Submission:

Labcorp Genetics (formerly Invitae), Labcorp
Classification: Uncertain significance. Last evaluated: 2024-11-07. Review status: criteria provided, single submitter. Criteria: Invitae Variant Classification Sherloc (09022015). Collection method: clinical testing. Allele origin: germline.
Comment: This sequence change replaces aspartic acid, which is acidic and polar, with glutamic acid, which is acidic and polar, at codon 741 of the KCNQ5 protein (p.Asp741Glu). This variant is not present in population databases (gnomAD no frequency). This variant has not been reported in the literature in individuals affected with KCNQ5-related conditions. Invitae Evidence Modeling of protein sequence and biophysical properties (such as structural, functional, and spatial information, amino acid conservation, physicochemical variation, residue mobility, and thermodynamic stability) indicates that this missense variant is not expected to disrupt KCNQ5 protein function with a negative predictive value of 95%. In summary, the available evidence is currently insufficient to determine the role of this variant in disease. Therefore, it has been classified as a Variant of Uncertain Significance.